The following is an entry in ClinVar:

ClinVar aggregate classification (germline): Pathogenic (1 of 4 stars; one submission).

Conditions:
Familial thoracic aortic aneurysm and aortic dissection (TAAD). Also called: Thoracic aortic aneurysms and dissections. Identifiers: Orphanet 91387, MedGen C4707243, MONDO:0019625.
Marfan syndrome (MFS). Also called: FBN1-Related Marfan Syndrome; Marfan syndrome type 1; Marfan's syndrome; Marfan syndrome, classic; MARFAN SYNDROME, TYPE I. Identifiers: Orphanet 284963, Orphanet 558, MedGen C0024796, MONDO:0007947, OMIM 154700.

Submission:

Labcorp Genetics (formerly Invitae), Labcorp
Classification: Pathogenic for Marfan syndrome; Familial thoracic aortic aneurysm and aortic dissection. Last evaluated: 2019-07-16. Review status: criteria provided, single submitter. Criteria: Invitae Variant Classification Sherloc (09022015). Collection method: clinical testing. Allele origin: germline.
Comment: For these reasons, this variant has been classified as Pathogenic. Loss-of-function variants in FBN1 are known to be pathogenic (PMID: 17657824, 19293843). This variant has not been reported in the literature in individuals with FBN1-related conditions. This variant is not present in population databases (ExAC no frequency). This sequence change creates a premature translational stop signal (p.Ser2361Ilefs*6) in the FBN1 gene. It is expected to result in an absent or disrupted protein product.

Literature cited by the submitters: PubMed 17657824; PubMed 19293843.

NM_000138.5(FBN1):c.7080dup (p.Ser2361fs)

Gene: FBN1 (fibrillin 1; minus strand). Cytogenetic location: 15q21.1.
Variant type: Duplication.
Coding change: c.7080dup on transcript NM_000138.5 (MANE Select); coding-DNA position 7080, one base duplicated (A; older notation c.7080dupA).
Protein change: p.Ser2361fs; shifts the reading frame from serine 2361.
Molecular consequence: frameshift variant.
Genome position (GRCh38, 1-based): chr15:48,427,691, T duplicated on the plus strand (A on the coding strand, the reverse complement: FBN1 is on the minus strand); the first of 3 consecutive T bases (chr15:48,427,691-48,427,693); duplicating any one gives the same sequence. VCF-style (leftmost placement, unchanged base first): chr15-48427690-A-AT. GRCh37 (hg19) VCF-style: chr15-48719887-A-AT.
Other names: short protein forms S2361fs.
Identifiers: ClinVar variation 646120 (VCV000646120.8), dbSNP rs1597517970, ClinGen allele CA915946634.